The following is an entry in ClinVar:

NM_032242.4(PLXNA1):c.1017T>A (p.Thr339=)

Gene: PLXNA1 (plexin A1; plus strand). Cytogenetic location: 3q21.3.
Variant type: single nucleotide variant.
Coding change: c.1017T>A on transcript NM_032242.4 (MANE Select); coding-DNA position 1017, T replaced by A.
Protein change: p.Thr339=; no amino-acid change (threonine 339 retained).
Molecular consequence: synonymous variant.
Genome position (GRCh38, 1-based): chr3:126,989,610, T>A. VCF-style: chr3-126989610-T-A. GRCh37 (hg19) VCF-style: chr3-126708453-T-A.
Identifiers: ClinVar variation 4987747 (VCV004987747.1).
Genomic context (GRCh38, chr3:126,989,610, plus strand): 5'-GCCCGGCCGTGCCCTGGCCCACCAGCTGGGCCTGGCTGAGGACGAGGACGTGCTGTTCAC[T>A]GTGTTCGCCCAGGGCCAGAAGAACCGCGTGAAGCCACCAAAGGAGTCAGCACTGTGCCTG-3'
Protein context (NP_115618.3, residues 329-349): GLAEDEDVLF[Thr339=]VFAQGQKNRV

ClinVar aggregate classification (germline): Likely benign (1 of 4 stars; one submission).

Conditions:
PLXNA1-related disorder. Also called: PLXNA1-related condition.

gnomAD v4.1: 7 of 1,612,854 alleles (0.00043%); highest among the groups gnomAD compares: African/African-American, 0.008%; no homozygotes.

Submission:

PreventionGenetics, part of Exact Sciences
Classification: Likely benign for PLXNA1-related condition. Last evaluated: 2025-02-27. Review status: criteria provided, single submitter. Criteria: ACMG Guidelines, 2015. Collection method: clinical testing. Allele origin: germline.
Comment: This variant is classified as likely benign based on ACMG/AMP sequence variant interpretation guidelines (Richards et al. 2015 PMID: 25741868, with internal and published modifications).